The following is an entry in ClinVar:

ClinVar aggregate classification (germline): Uncertain significance. Review status: criteria provided, multiple submitters, no conflicts (2 of 4 stars). 2 submissions from 2 submitters: Uncertain significance (2). Last evaluated 2022-07-14.

Conditions:
Muscular dystrophy-dystroglycanopathy (congenital with brain and eye anomalies), type a, 11 (MDDGA11). Also called: WALKER-WARBURG SYNDROME OR MUSCLE-EYE-BRAIN DISEASE, B3GALNT2-RELATED; Congenital muscular dystrophy-dystroglycanopathy with brain and eye anomalies, type A11; Muscular dystrophy-dystroglycanopathy (congenital with brain and eye anomalies, type A, 11. Identifiers: Orphanet 588, Orphanet 899, MedGen C3554638, MONDO:0014071, OMIM 615181.

Allele frequency attached by ClinVar (database versions not stated): TOPMed below 0.00001; gnomAD exomes 0.00003.
gnomAD v4.1: 29 of 1,273,050 alleles (0.0023%); highest among the groups gnomAD compares: Non-Finnish European, 0.0026%; no homozygotes.

Submissions (2):

Labcorp Genetics (formerly Invitae), Labcorp
Classification: Uncertain significance for Muscular dystrophy-dystroglycanopathy (congenital with brain and eye anomalies), type a, 11. Last evaluated: 2022-07-14. Review status: criteria provided, single submitter. Criteria: Invitae Variant Classification Sherloc (09022015). Collection method: clinical testing. Allele origin: germline.
Comment: This sequence change replaces serine, which is neutral and polar, with proline, which is neutral and non-polar, at codon 25 of the B3GALNT2 protein (p.Ser25Pro). This variant is not present in population databases (gnomAD no frequency). This variant has not been reported in the literature in individuals affected with B3GALNT2-related conditions. ClinVar contains an entry for this variant (Variation ID: 843956). Algorithms developed to predict the effect of missense changes on protein structure and function (SIFT, PolyPhen-2, Align-GVGD) all suggest that this variant is likely to be tolerated. In summary, the available evidence is currently insufficient to determine the role of this variant in disease. Therefore, it has been classified as a Variant of Uncertain Significance.

Revvity Omics, Revvity
Classification: Uncertain significance for Muscular dystrophy-dystroglycanopathy (congenital with brain and eye anomalies), type a, 11. Last evaluated: 2019-07-08. Review status: criteria provided, single submitter. Criteria: ACMG Guidelines, 2015. Collection method: clinical testing. Allele origin: germline.

NM_152490.5(B3GALNT2):c.73T>C (p.Ser25Pro)

Gene: B3GALNT2 (beta-1,3-N-acetylgalactosaminyltransferase 2; minus strand). Cytogenetic location: 1q42.3.
Variant type: single nucleotide variant.
Coding change: c.73T>C on transcript NM_152490.5 (MANE Select); coding-DNA position 73, T replaced by C.
Protein change: p.Ser25Pro; replaces serine 25 with proline.
Molecular consequence: missense variant.
Genome position (GRCh38, 1-based): chr1:235,504,180, A>G on the plus strand (T>C on the coding strand, the complement: B3GALNT2 is on the minus strand). VCF-style: chr1-235504180-A-G. GRCh37 (hg19) VCF-style: chr1-235667480-A-G.
Other names: c.73T>C (NM_152490.3); c.73T>C, p.Ser25Pro (NM_001277155.3); short protein forms S25P.
Identifiers: ClinVar variation 843956 (VCV000843956.9), dbSNP rs1685725563, ClinGen allele CA344936865.